The following is an entry in ClinVar:

NM_145166.4(ZBTB47):c.2085C>T (p.Pro695=)

Gene: ZBTB47 (zinc finger and BTB domain containing 47; plus strand). Cytogenetic location: 3p22.1.
Variant type: single nucleotide variant.
Coding change: c.2085C>T on transcript NM_145166.4 (MANE Select); coding-DNA position 2085, C replaced by T.
Protein change: p.Pro695=; no amino-acid change (proline 695 retained).
Molecular consequence: synonymous variant.
Genome position (GRCh38, 1-based): chr3:42,664,439, C>T. VCF-style: chr3-42664439-C-T. GRCh37 (hg19) VCF-style: chr3-42705931-C-T.
Other names: c.2169C>T, p.Pro723= (NM_001410746.1).
Identifiers: ClinVar variation 5040941 (VCV005040941.1).
Genomic context (GRCh38, chr3:42,664,439, plus strand): 5'-CAAGGCCCACAAGGAGAAGTGCTTCCGCGTCAGCCACACCCTGGCCGGCGACGGCGTCCC[C>T]GCTGCCCCAGGCCTGCCCCCAACCCAGCCCCAGGCGCACGCACTGCCCCTGCTCCCGGGG-3'
Protein context (NP_660149.2, residues 685-705): VSHTLAGDGV[Pro695=]AAPGLPPTQP

ClinVar aggregate classification (germline): Likely benign (1 of 4 stars; one submission).

gnomAD v4.1: 37 of 1,534,088 alleles (0.0024%); highest among the groups gnomAD compares: Admixed American, 0.071%; no homozygotes.

Submission:

CeGaT Center for Human Genetics Tuebingen
Classification: Likely benign. Last evaluated: 2026-09-01. Review status: criteria provided, single submitter. Criteria: CeGaT Center For Human Genetics Tuebingen Variant Classification Criteria Version 2. Collection method: clinical testing. Allele origin: germline. Affected: yes. Observed: 1 variant allele.
Comment: ZBTB47: BP4, BP7